The following is an entry in ClinVar:

NM_001013672.5(LIAT1):c.621C>T (p.Pro207=)

Genes: LIAT1 (ligand of ATE1; plus strand), LOC105371430 (uncharacterized LOC105371430; minus strand). Cytogenetic location: 17p13.3.
Variant type: single nucleotide variant.
Coding change: c.621C>T on transcript NM_001013672.5 (MANE Select); coding-DNA position 621, C replaced by T.
Protein change: p.Pro207=; no amino-acid change (proline 207 retained).
Molecular consequence: synonymous variant.
Genome position (GRCh38, 1-based): chr17:413,464, C>T. VCF-style: chr17-413464-C-T. GRCh37 (hg19) VCF-style: chr17-263255-C-T.
Identifiers: ClinVar variation 2647154 (VCV002647154.24), dbSNP rs1055279584, ClinGen allele CA8260615.

ClinVar aggregate classification (germline): Likely benign (1 of 4 stars; one submission).

Allele frequency attached by ClinVar (database versions not stated): gnomAD 0.00022.
gnomAD v4.1: 715 of 1,601,610 alleles (0.045%); highest among the groups gnomAD compares: Non-Finnish European, 0.056%; 4 homozygotes.

Submission:

CeGaT Center for Human Genetics Tuebingen
Classification: Likely benign. Last evaluated: 2023-07-01. Review status: criteria provided, single submitter. Criteria: CeGaT Center For Human Genetics Tuebingen Variant Classification Criteria Version 2. Collection method: clinical testing. Allele origin: germline. Affected: yes. Observed: 2 variant alleles.
Comment: LIAT1: BP4, BP7